The following is an entry in ClinVar:

ClinVar aggregate classification (germline): Uncertain significance. Review status: criteria provided, multiple submitters, no conflicts (2 of 4 stars). 2 submissions from 2 submitters: Uncertain significance (2). Last evaluated 2025-01-06.

Conditions:
Hypertrophic cardiomyopathy. Also called: HYPERTROPHIC MYOCARDIOPATHY. Identifiers: Orphanet 217569, MedGen C0007194, MeSH D002312, MONDO:0005045, HP:0001639.
Cardiomyopathy (CMYO). Also called: Cardiomyopathies. Identifiers: Orphanet 167848, MedGen C0878544, MONDO:0004994, HP:0001638. Inheritance: Various modes of inheritance.

Submissions (2):

Color Diagnostics, LLC DBA Color Health
Classification: Uncertain significance for Cardiomyopathy. Last evaluated: 2025-01-06. Review status: criteria provided, single submitter. Criteria: ACMG Guidelines, 2015. Collection method: clinical testing. Allele origin: germline.
Comment: This variant causes a T to A nucleotide substitution at the +5 position of intron 25 of the MYH7 gene. To our knowledge, functional studies have not been reported for this variant. This variant has not been reported in individuals affected with MYH7-related disorders in the literature. This variant has not been identified in the general population by the Genome Aggregation Database (gnomAD). The available evidence is insufficient to determine the role of this variant in disease conclusively. Therefore, this variant is classified as a Variant of Uncertain Significance.

Labcorp Genetics (formerly Invitae), Labcorp
Classification: Uncertain significance for Hypertrophic cardiomyopathy. Last evaluated: 2023-08-30. Review status: criteria provided, single submitter. Criteria: Invitae Variant Classification Sherloc (09022015). Collection method: clinical testing. Allele origin: germline.
Comment: In summary, the available evidence is currently insufficient to determine the role of this variant in disease. Therefore, it has been classified as a Variant of Uncertain Significance. Variants that disrupt the consensus splice site are a relatively common cause of aberrant splicing (PMID: 17576681, 9536098). Algorithms developed to predict the effect of sequence changes on RNA splicing suggest that this variant is not likely to affect RNA splicing. This variant has not been reported in the literature in individuals affected with MYH7-related conditions. This variant is not present in population databases (gnomAD no frequency). This sequence change falls in intron 25 of the MYH7 gene. It does not directly change the encoded amino acid sequence of the MYH7 protein. It affects a nucleotide within the consensus splice site.

Literature cited by the submitters: PubMed 17576681 (cited by Labcorp Genetics (formerly Invitae), Labcorp); PubMed 9536098 (cited by Labcorp Genetics (formerly Invitae), Labcorp).

NM_000257.4(MYH7):c.3245+5T>A

Gene: MYH7 (myosin heavy chain 7; minus strand). Cytogenetic location: 14q11.2.
Variant type: single nucleotide variant.
Coding change: c.3245+5T>A on transcript NM_000257.4 (MANE Select); 5 bases into the intron after coding-DNA position 3245, T replaced by A.
Molecular consequence: intron variant.
Genome position (GRCh38, 1-based): chr14:23,422,175, A>T on the plus strand (T>A on the coding strand, the complement: MYH7 is on the minus strand). VCF-style: chr14-23422175-A-T. GRCh37 (hg19) VCF-style: chr14-23891384-A-T.
Other names: c.3245+5T>A (NM_001407004.1).
Identifiers: ClinVar variation 2756744 (VCV002756744.4), dbSNP rs2502272066, ClinGen allele CA2697553869.